The following is an entry in ClinVar:

NM_006031.6(PCNT):c.2119C>G (p.Gln707Glu)

Gene: PCNT (pericentrin; plus strand). Cytogenetic location: 21q22.3.
Variant type: single nucleotide variant.
Coding change: c.2119C>G on transcript NM_006031.6 (MANE Select); coding-DNA position 2119, C replaced by G.
Protein change: p.Gln707Glu; replaces glutamine 707 with glutamic acid.
Molecular consequence: missense variant.
Genome position (GRCh38, 1-based): chr21:46,357,156, C>G. VCF-style: chr21-46357156-C-G. GRCh37 (hg19) VCF-style: chr21-47777071-C-G.
Other names: c.1765C>G, p.Gln589Glu (NM_001315529.2); short protein forms Q589E, Q707E.
Identifiers: ClinVar variation 1488168 (VCV001488168.6), dbSNP rs2084508666, ClinGen allele CA410565561.

ClinVar aggregate classification (germline): Uncertain significance (1 of 4 stars; one submission).

Allele frequency attached by ClinVar (database versions not stated): gnomAD exomes below 0.00001; TOPMed below 0.00001.
gnomAD v4.1: 3 of 1,613,704 alleles (0.00019%); highest among the groups gnomAD compares: Non-Finnish European, 0.00025%; no homozygotes.

Submission:

Labcorp Genetics (formerly Invitae), Labcorp
Classification: Uncertain significance. Last evaluated: 2021-08-19. Review status: criteria provided, single submitter. Criteria: Invitae Variant Classification Sherloc (09022015). Collection method: clinical testing. Allele origin: germline.
Comment: In summary, the available evidence is currently insufficient to determine the role of this variant in disease. Therefore, it has been classified as a Variant of Uncertain Significance. Algorithms developed to predict the effect of missense changes on protein structure and function (SIFT, PolyPhen-2, Align-GVGD) all suggest that this variant is likely to be tolerated. This variant has not been reported in the literature in individuals affected with PCNT-related conditions. This variant is not present in population databases (ExAC no frequency). This sequence change replaces glutamine with glutamic acid at codon 707 of the PCNT protein (p.Gln707Glu). The glutamine residue is moderately conserved and there is a small physicochemical difference between glutamine and glutamic acid.